The following is an entry in ClinVar:

NM_005475.3(SH2B3):c.871G>C (p.Asp291His)

Gene: SH2B3 (SH2B adaptor protein 3; plus strand). Cytogenetic location: 12q24.12.
Variant type: single nucleotide variant.
Coding change: c.871G>C on transcript NM_005475.3 (MANE Select); coding-DNA position 871, G replaced by C.
Protein change: p.Asp291His; replaces aspartic acid 291 with histidine.
Molecular consequence: missense variant.
Genome position (GRCh38, 1-based): chr12:111,446,978, G>C. VCF-style: chr12-111446978-G-C. GRCh37 (hg19) VCF-style: chr12-111884782-G-C.
Other names: c.265G>C, p.Asp89His (NM_001291424.1); short protein forms D291H, D89H.
Identifiers: ClinVar variation 4864450 (VCV004864450.1).

ClinVar aggregate classification (germline): Uncertain significance (1 of 4 stars; one submission).

Conditions:
Inborn genetic diseases. Identifiers: MedGen C0950123, MeSH D030342.

Submission:

Ambry Genetics
Classification: Uncertain significance for Inborn genetic diseases. Last evaluated: 2026-05-19. Review status: criteria provided, single submitter. Criteria: Ambry Variant Classification Scheme 2023. Collection method: clinical testing. Allele origin: germline.
Comment: The p.D291H variant (also known as c.871G>C), located in coding exon 3 of the SH2B3 gene, results from a G to C substitution at nucleotide position 871. The aspartic acid at codon 291 is replaced by histidine, an amino acid with similar properties. This amino acid position is conserved. In addition, the in silico prediction for this alteration is inconclusive. Based on the available evidence, the clinical significance of this variant remains unclear.